The following is an entry in ClinVar:

NM_213622.4(STAMBP):c.348A>G (p.Lys116=)

Gene: STAMBP (STAM binding protein; plus strand). Cytogenetic location: 2p13.1.
Variant type: single nucleotide variant.
Coding change: c.348A>G on transcript NM_213622.4 (MANE Select); coding-DNA position 348, A replaced by G.
Protein change: p.Lys116=; no amino-acid change (lysine 116 retained).
Molecular consequence: synonymous variant. On other transcripts: 5 prime UTR variant (6), non-coding transcript variant (4).
Genome position (GRCh38, 1-based): chr2:73,845,235, A>G. VCF-style: chr2-73845235-A-G. GRCh37 (hg19) VCF-style: chr2-74072362-A-G.
Other names: c.348A>G, p.Lys116= (NM_001353967.2, NM_001353968.2, NM_001353969.2 and 3 more transcripts); c.-58A>G (NM_001353971.2, NM_001353972.2, NM_001353973.2 and 3 more transcripts).
Identifiers: ClinVar variation 2651030 (VCV002651030.24), dbSNP rs139293928, ClinGen allele CA426793073.

ClinVar aggregate classification (germline): Likely benign (1 of 4 stars; one submission).

gnomAD v4.1: 1 of 1,613,586 alleles (0.000062%); highest among the groups gnomAD compares: Non-Finnish European, 0.000085%; no homozygotes.

Submission:

CeGaT Center for Human Genetics Tuebingen
Classification: Likely benign. Last evaluated: 2022-07-01. Review status: criteria provided, single submitter. Criteria: CeGaT Center For Human Genetics Tuebingen Variant Classification Criteria Version 2. Collection method: clinical testing. Allele origin: germline. Affected: yes. Observed: 1 variant allele.
Comment: STAMBP: PM2:Supporting, BP4, BP7